The following is an entry in ClinVar:

ClinVar aggregate classification (germline): Uncertain significance (1 of 4 stars; one submission).

Submission:

CeGaT Center for Human Genetics Tuebingen
Classification: Uncertain significance. Last evaluated: 2026-06-01. Review status: criteria provided, single submitter. Criteria: CeGaT Center For Human Genetics Tuebingen Variant Classification Criteria Version 2. Collection method: clinical testing. Allele origin: germline. Affected: yes. Observed: 1 variant allele.
Comment: BICRA: PM2

NM_001394372.1(BICRA):c.1668G>C (p.Gln556His)

Gene: BICRA (BRD4 interacting chromatin remodeling complex associated protein; plus strand). Cytogenetic location: 19q13.33.
Variant type: single nucleotide variant.
Coding change: c.1668G>C on transcript NM_001394372.1 (MANE Select); coding-DNA position 1668, G replaced by C.
Protein change: p.Gln556His; replaces glutamine 556 with histidine.
Molecular consequence: missense variant.
Genome position (GRCh38, 1-based): chr19:47,680,838, G>C. VCF-style: chr19-47680838-G-C. GRCh37 (hg19) VCF-style: chr19-48184095-G-C.
Other names: c.1668G>C, p.Gln556His (NM_015711.3); short protein forms Q556H.
Identifiers: ClinVar variation 4872928 (VCV004872928.2).